The following is an entry in ClinVar:

NM_001379659.1(ZNF142):c.3988G>A (p.Glu1330Lys)

Gene: ZNF142 (zinc finger protein 142; minus strand). Cytogenetic location: 2q35.
Variant type: single nucleotide variant.
Coding change: c.3988G>A on transcript NM_001379659.1 (MANE Select); coding-DNA position 3988, G replaced by A.
Protein change: p.Glu1330Lys; replaces glutamic acid 1330 with lysine.
Molecular consequence: missense variant.
Genome position (GRCh38, 1-based): chr2:218,643,128, C>T on the plus strand (G>A on the coding strand, the complement: ZNF142 is on the minus strand). VCF-style: chr2-218643128-C-T. GRCh37 (hg19) VCF-style: chr2-219507851-C-T.
Other names: c.3388G>A (NM_001105537.1); c.3988G>A, p.Glu1330Lys (NM_001379661.1, NM_001366290.3, NM_001379660.1); c.3388G>A, p.Glu1130Lys (NM_001379662.1, NM_001105537.5, NM_001366291.3); c.2899G>A, p.Glu967Lys (NM_001366287.3, NM_001366288.3, NM_001366289.3); short protein forms E1130K, E1330K, E967K.
Identifiers: ClinVar variation 3367412 (VCV003367412.2).

ClinVar aggregate classification (germline): Uncertain significance. Review status: criteria provided, multiple submitters, no conflicts (2 of 4 stars). 2 submissions from 2 submitters: Uncertain significance (2). Last evaluated 2026-04-28.

Conditions:
Inborn genetic diseases. Identifiers: MedGen C0950123, MeSH D030342.

gnomAD v4.1: 13 of 1,613,732 alleles (0.00081%); highest among the groups gnomAD compares: African/African-American, 0.0093%; no homozygotes.

Submissions (2):

Ambry Genetics
Classification: Uncertain significance for Inborn genetic diseases. Last evaluated: 2026-04-28. Review status: criteria provided, single submitter. Criteria: Ambry Variant Classification Scheme 2023. Collection method: clinical testing. Allele origin: germline.

GeneDx
Classification: Uncertain significance. Last evaluated: 2023-12-31. Review status: criteria provided, single submitter. Criteria: GeneDx Variant Classification Process June 2021. Collection method: clinical testing. Allele origin: germline. Affected: yes.
Comment: In silico analysis supports that this missense variant does not alter protein structure/function; Has not been previously published as pathogenic or benign to our knowledge